The following is an entry in ClinVar:

NM_000284.4(PDHA1):c.1000G>A (p.Glu334Lys)

Gene: PDHA1 (pyruvate dehydrogenase E1 subunit alpha 1; plus strand). Cytogenetic location: Xp22.12.
Variant type: single nucleotide variant.
Coding change: c.1000G>A on transcript NM_000284.4 (MANE Select); coding-DNA position 1000, G replaced by A.
Protein change: p.Glu334Lys; replaces glutamic acid 334 with lysine.
Molecular consequence: missense variant.
Genome position (GRCh38, 1-based): chrX:19,359,016, G>A. VCF-style: chrX-19359016-G-A. GRCh37 (hg19) VCF-style: chrX-19377134-G-A.
Other names: c.1114G>A, p.Glu372Lys (NM_001173454.2); c.1021G>A, p.Glu341Lys (NM_001173455.2); c.907G>A, p.Glu303Lys (NM_001173456.2); short protein forms E303K, E334K, E341K, E372K.
Identifiers: ClinVar variation 992715 (VCV000992715.10), dbSNP rs1269552788, ClinGen allele CA412396285.

ClinVar aggregate classification (germline): Uncertain significance. Review status: criteria provided, multiple submitters, no conflicts (2 of 4 stars). 2 submissions from 2 submitters: Uncertain significance (2). Last evaluated 2021-11-23.

Conditions:
Pyruvate dehydrogenase E1-alpha deficiency (PDHAD). Also called: ATAXIA, INTERMITTENT, WITH PYRUVATE DEHYDROGENASE DEFICIENCY; ATAXIA WITH LACTIC ACIDOSIS I; ATAXIA, INTERMITTENT, WITH ABNORMAL PYRUVATE METABOLISM; Ataxia, intermittent, with pyruvate dehydrogenase, or decarboxylase, deficiency. Identifiers: Orphanet 79243, MedGen C1839413, MONDO:0010717, OMIM 312170.

Allele frequency attached by ClinVar (database versions not stated): gnomAD exomes 0.00001.
gnomAD v4.1: 2 of 1,143,910 alleles (0.00017%); highest among the groups gnomAD compares: Admixed American, 0.0044%; no homozygotes.

Submissions (2):

New York Genome Center
Classification: Uncertain significance for Pyruvate dehydrogenase E1-alpha deficiency. Last evaluated: 2021-11-23. Review status: criteria provided, single submitter. Criteria: NYGC Assertion Criteria 2020. Collection method: clinical testing. Allele origin: inherited. Affected: yes. Observed: 1 hemizygote. Study: CSER-NYCKidSeq.
Comment: The variant has 0.00001 allele frequency in the gnomAD database [2 out of 183,051 heterozygous alleles, no hemizygous allele] indicating it is an extremely rare allele in the populations represented in that database. The p.Glu334Lys affects a highly conserved residue and is predicted deleterious by a variety of in silico prediction tools. Based on the current evidence, the p.Glu334Lysvariant in the PDHA1 gene is assessed as a variant of uncertain significance.

Labcorp Genetics (formerly Invitae), Labcorp
Classification: Uncertain significance for Pyruvate dehydrogenase E1-alpha deficiency. Last evaluated: 2021-08-28. Review status: criteria provided, single submitter. Criteria: Invitae Variant Classification Sherloc (09022015). Collection method: clinical testing. Allele origin: germline.
Comment: This sequence change replaces glutamic acid with lysine at codon 334 of the PDHA1 protein (p.Glu334Lys). The glutamic acid residue is highly conserved and there is a small physicochemical difference between glutamic acid and lysine. This variant is not present in population databases (ExAC no frequency). This variant has not been reported in the literature in individuals affected with PDHA1-related conditions. Algorithms developed to predict the effect of missense changes on protein structure and function are either unavailable or do not agree on the potential impact of this missense change (SIFT: "Deleterious"; PolyPhen-2: "Probably Damaging"; Align-GVGD: "Class C0"). In summary, the available evidence is currently insufficient to determine the role of this variant in disease. Therefore, it has been classified as a Variant of Uncertain Significance.